The following is an entry in ClinVar:

ClinVar aggregate classification (germline): Uncertain significance (1 of 4 stars; one submission).

Submission:

Women's Health and Genetics/Laboratory Corporation of America, LabCorp
Classification: Uncertain significance. Last evaluated: 2025-02-06. Review status: criteria provided, single submitter. Criteria: LabCorp Variant Classification Summary - May 2015. Collection method: clinical testing. Allele origin: germline.
Comment: Variant summary: KCNJ2 c.8G>C (p.Ser3Thr) results in a conservative amino acid change located in the Potassium channel, inwardly rectifying, Kir, N-terminal domain (IPR013673) of the encoded protein sequence. Four of five in-silico tools predict a benign effect of the variant on protein function. The variant was absent in 251208 control chromosomes. The available data on variant occurrences in the general population are insufficient to allow any conclusion about variant significance. To our knowledge, no occurrence of c.8G>C in individuals affected with Arrhythmia and no experimental evidence demonstrating its impact on protein function have been reported. ClinVar contains an entry for this variant (Variation ID: 2577327). Based on the evidence outlined above, the variant was classified as uncertain significance.

NM_000891.3(KCNJ2):c.8G>C (p.Ser3Thr)

Gene: KCNJ2 (potassium inwardly rectifying channel subfamily J member 2; plus strand). Cytogenetic location: 17q24.3.
Variant type: single nucleotide variant.
Coding change: c.8G>C on transcript NM_000891.3 (MANE Select); coding-DNA position 8, G replaced by C.
Protein change: p.Ser3Thr; replaces serine 3 with threonine.
Molecular consequence: missense variant.
Genome position (GRCh38, 1-based): chr17:70,175,047, G>C. VCF-style: chr17-70175047-G-C. GRCh37 (hg19) VCF-style: chr17-68171188-G-C.
Other names: short protein forms S3T.
Identifiers: ClinVar variation 2577327 (VCV002577327.2), dbSNP rs2509920685, ClinGen allele CA400859478.